The following is an entry in ClinVar:

NM_017934.7(PHIP):c.1879+3A>G

Gene: PHIP (PHIP subunit of CUL4-Ring ligase complex; minus strand). Cytogenetic location: 6q14.1.
Variant type: single nucleotide variant.
Coding change: c.1879+3A>G on transcript NM_017934.7 (MANE Select); 3 bases into the intron after coding-DNA position 1879, A replaced by G.
Molecular consequence: intron variant.
Genome position (GRCh38, 1-based): chr6:79,001,896, T>C on the plus strand (A>G on the coding strand, the complement: PHIP is on the minus strand). VCF-style: chr6-79001896-T-C. GRCh37 (hg19) VCF-style: chr6-79711613-T-C.
Other names: c.1879+3A>G (NM_017934.6).
Identifiers: ClinVar variation 4768031 (VCV004768031.2).

ClinVar aggregate classification (germline): Conflicting classifications of pathogenicity. Review status: criteria provided, conflicting classifications (1 of 4 stars). 2 submissions from 2 submitters: Uncertain significance (1); Likely benign (1). Last evaluated 2025-12-13.

Conditions:
PHIP-related disorder. Also called: PHIP-related condition; PHIP-related disorders.

gnomAD v4.1: 29 of 1,586,328 alleles (0.0018%); highest among the groups gnomAD compares: Non-Finnish European, 0.0023%; no homozygotes.

Submissions (2):

Labcorp Genetics (formerly Invitae), Labcorp
Classification: Uncertain significance. Last evaluated: 2025-12-13. Review status: criteria provided, single submitter. Criteria: Invitae Variant Classification Sherloc (09022015). Collection method: clinical testing. Allele origin: germline.
Comment: This sequence change falls in intron 17 of the PHIP gene. It does not directly change the encoded amino acid sequence of the PHIP protein. It affects a nucleotide within the consensus splice site. This variant is not present in population databases (gnomAD no frequency). This variant has not been reported in the literature in individuals affected with PHIP-related conditions. Variants that disrupt the consensus splice site are a relatively common cause of aberrant splicing (PMID: 17576681, 9536098). Algorithms developed to predict the effect of sequence changes on RNA splicing suggest that this variant is not likely to affect RNA splicing. In summary, the available evidence is currently insufficient to determine the role of this variant in disease. Therefore, it has been classified as a Variant of Uncertain Significance.

PreventionGenetics, part of Exact Sciences
Classification: Likely benign for PHIP-related condition. Last evaluated: 2024-10-15. Review status: criteria provided, single submitter. Criteria: ACMG Guidelines, 2015. Collection method: clinical testing. Allele origin: germline.
Comment: This variant is classified as likely benign based on ACMG/AMP sequence variant interpretation guidelines (Richards et al. 2015 PMID: 25741868, with internal and published modifications).

Literature cited by the submitters: PubMed 17576681 (cited by Labcorp Genetics (formerly Invitae), Labcorp); PubMed 9536098 (cited by Labcorp Genetics (formerly Invitae), Labcorp).